The following is an entry in ClinVar:

ClinVar aggregate classification (germline): Uncertain significance. Review status: criteria provided, multiple submitters, no conflicts (2 of 4 stars). 2 submissions from 2 submitters: Uncertain significance (2). Last evaluated 2022-06-27.

Conditions:
Inborn genetic diseases. Identifiers: MedGen C0950123, MeSH D030342.
Ehlers-Danlos syndrome, dermatosparaxis type. Also called: Ehlers-Danlos syndrome, type VII, autosomal recessive; EDS VIIC; Dermatosparaxis. Identifiers: Orphanet 1901, MedGen C2700425, MONDO:0009161, OMIM 225410.

Allele frequency attached by ClinVar (database versions not stated): TOPMed 0.00001.
gnomAD v4.1: 1 of 1,599,354 alleles (0.000063%); highest among the groups gnomAD compares: Non-Finnish European, 0.000085%; no homozygotes.

Submissions (2):

Ambry Genetics
Classification: Uncertain significance for Inborn genetic diseases. Last evaluated: 2022-06-27. Review status: criteria provided, single submitter. Criteria: Ambry Variant Classification Scheme 2023. Collection method: clinical testing. Allele origin: germline.

Labcorp Genetics (formerly Invitae), Labcorp
Classification: Uncertain significance for Ehlers-Danlos syndrome, dermatosparaxis type. Last evaluated: 2022-02-21. Review status: criteria provided, single submitter. Criteria: Invitae Variant Classification Sherloc (09022015). Collection method: clinical testing. Allele origin: germline.
Comment: This sequence change replaces glutamine, which is neutral and polar, with arginine, which is basic and polar, at codon 440 of the ADAMTS2 protein (p.Gln440Arg). The frequency data for this variant in the population databases is considered unreliable, as metrics indicate poor data quality at this position in the gnomAD database. This variant has not been reported in the literature in individuals affected with ADAMTS2-related conditions. Algorithms developed to predict the effect of missense changes on protein structure and function (SIFT, PolyPhen-2, Align-GVGD) all suggest that this variant is likely to be disruptive. In summary, the available evidence is currently insufficient to determine the role of this variant in disease. Therefore, it has been classified as a Variant of Uncertain Significance.

NM_014244.5(ADAMTS2):c.1319A>G (p.Gln440Arg)

Gene: ADAMTS2 (ADAM metallopeptidase with thrombospondin type 1 motif 2; minus strand). Cytogenetic location: 5q35.3.
Variant type: single nucleotide variant.
Coding change: c.1319A>G on transcript NM_014244.5 (MANE Select); coding-DNA position 1319, A replaced by G.
Protein change: p.Gln440Arg; replaces glutamine 440 with arginine.
Molecular consequence: missense variant.
Genome position (GRCh38, 1-based): chr5:179,154,112, T>C on the plus strand (A>G on the coding strand, the complement: ADAMTS2 is on the minus strand). VCF-style: chr5-179154112-T-C. GRCh37 (hg19) VCF-style: chr5-178581113-T-C.
Other names: c.1319A>G, p.Gln440Arg (NM_021599.4); short protein forms Q440R.
Identifiers: ClinVar variation 1966856 (VCV001966856.3), dbSNP rs1437871818, ClinGen allele CA362433546.